The following is an entry in ClinVar:

NM_001267550.2(TTN):c.70819G>A (p.Ala23607Thr)

Genes: TTN (titin; minus strand), TTN-AS1 (TTN antisense RNA 1; plus strand). Cytogenetic location: 2q31.2.
Variant type: single nucleotide variant.
Coding change: c.70819G>A on transcript NM_001267550.2 (MANE Select); coding-DNA position 70819, G replaced by A.
Protein change: p.Ala23607Thr; replaces alanine 23607 with threonine.
Molecular consequence: missense variant.
Genome position (GRCh38, 1-based): chr2:178,575,313, C>T on the plus strand (G>A on the coding strand, the complement: TTN is on the minus strand). VCF-style: chr2-178575313-C-T. GRCh37 (hg19) VCF-style: chr2-179440040-C-T.
Other names: c.65896G>A, p.Ala21966Thr (NM_001256850.1); c.43624G>A, p.Ala14542Thr (NM_003319.4); c.63115G>A, p.Ala21039Thr (NM_133378.4); c.43999G>A, p.Ala14667Thr (NM_133432.3); c.44200G>A, p.Ala14734Thr (NM_133437.4); short protein forms A23607T, A21039T, A14734T, A21966T, A14667T, A14542T.
Identifiers: ClinVar variation 191134 (VCV000191134.6), dbSNP rs786205539, ClinGen allele CA236086.

ClinVar aggregate classification (germline): Conflicting classifications of pathogenicity. Review status: criteria provided, conflicting classifications (1 of 4 stars). 3 submissions from 3 submitters: Likely pathogenic (1); Uncertain significance (1). 1 of the submissions does not count toward it. Last evaluated 2014-12-16.

Conditions:
TTN-related disorder. Also called: TTN-related disorders; TTN-related condition; TTN-related disease.

Allele frequency attached by ClinVar (database versions not stated): gnomAD exomes below 0.00001; gnomAD 0.00001.
gnomAD v4.1: 4 of 1,613,362 alleles (0.00025%); highest among the groups gnomAD compares: African/African-American, 0.004%; no homozygotes.

Submissions (3):

Eurofins Ntd Llc (ga)
Classification: Uncertain significance. Last evaluated: 2014-12-16. Review status: criteria provided, single submitter. Criteria: EGL Classification Definitions 2015. Collection method: clinical testing. Allele origin: germline. Observed: 1 variant allele, 1 heterozygote.

Genomic Medicine Center of Excellence, King Faisal Specialist Hospital and Research Centre
Classification: Likely pathogenic. Review status: criteria provided, single submitter. Criteria: ACMG Guidelines, 2015. Collection method: research. Allele origin: germline. Affected: yes.

PreventionGenetics, part of Exact Sciences
Classification: Uncertain significance for TTN-related condition. Last evaluated: 2024-09-04. Review status: no assertion criteria provided. Collection method: clinical testing. Allele origin: germline. Not counted in ClinVar's aggregate classification.
Comment: The TTN c.70819G>A variant is predicted to result in the amino acid substitution p.Ala23607Thr. To our knowledge, this variant has not been reported in the literature. This variant is present in 1 allele out of 31380 alleles in gnomAD. At this time, the clinical significance of this variant is uncertain due to the absence of conclusive functional and genetic evidence.